The following is an entry in ClinVar:

ClinVar aggregate classification (germline): Pathogenic. Review status: criteria provided, multiple submitters, no conflicts (2 of 4 stars). 2 submissions from 2 submitters: Pathogenic (2). Last evaluated 2026-04-06.

Conditions:
Neurofibromatosis, type 1 (NF1). Also called: VON RECKLINGHAUSEN DISEASE; NEUROFIBROMATOSIS, TYPE I, SOMATIC; Peripheral type neurofibromatosis; Neurofibromatosis, type I. Identifiers: Orphanet 636, MedGen C0027831, MONDO:0018975, OMIM 162200. Disease mechanism: loss of function.

Submissions (2):

GeneDx
Classification: Pathogenic. Last evaluated: 2026-04-06. Review status: criteria provided, single submitter. Criteria: GeneDx Variant Classification Process June 2021. Collection method: clinical testing. Allele origin: germline.
Comment: Frameshift variant predicted to result in protein truncation or nonsense mediated decay in a gene for which loss of function is a known mechanism of disease; Not observed at significant frequency in large population cohorts (gnomAD); Has not been previously published as pathogenic or benign to our knowledge

Labcorp Genetics (formerly Invitae), Labcorp
Classification: Pathogenic for Neurofibromatosis, type 1. Last evaluated: 2024-03-01. Review status: criteria provided, single submitter. Criteria: Invitae Variant Classification Sherloc (09022015). Collection method: clinical testing. Allele origin: germline.
Comment: This sequence change creates a premature translational stop signal (p.Leu1894Glyfs*4) in the NF1 gene. It is expected to result in an absent or disrupted protein product. Loss-of-function variants in NF1 are known to be pathogenic (PMID: 10712197, 23913538). This variant is not present in population databases (gnomAD no frequency). This variant has not been reported in the literature in individuals affected with NF1-related conditions. For these reasons, this variant has been classified as Pathogenic.

Literature cited by the submitters: PubMed 10712197 (cited by Labcorp Genetics (formerly Invitae), Labcorp); PubMed 23913538 (cited by Labcorp Genetics (formerly Invitae), Labcorp).

NM_001042492.3(NF1):c.5742_5743del (p.Leu1915fs)

Gene: NF1 (neurofibromin 1; plus strand). Cytogenetic location: 17q11.2.
Variant type: Microsatellite.
Coding change: c.5742_5743del on transcript NM_001042492.3 (MANE Select); coding-DNA positions 5742 to 5743, 2 bases deleted (AC; older notation c.5742_5743delAC).
Protein change: p.Leu1915fs; shifts the reading frame from leucine 1915.
Molecular consequence: frameshift variant.
Genome position (GRCh38, 1-based): chr17:31,330,428-31,330,429, AC deleted; deleting any 2 consecutive bases within chr17:31,330,426-31,330,429 gives the same sequence; the c. name uses the placement nearest the transcript's 3' end. VCF-style (leftmost placement, unchanged base first): chr17-31330425-GAC-G. GRCh37 (hg19) VCF-style: chr17-29657443-GAC-G.
Other names: c.5677_5678AC[1], p.Leu1894Glyfs (NM_000267.4); short protein forms L1894fs, L1915fs.
Identifiers: ClinVar variation 2760776 (VCV002760776.4), dbSNP rs2508718988, ClinGen allele CA2697559554.
Genomic context (GRCh38, chr17:31,330,425, plus strand): 5'-AGAGACATCAGGTTTATGTATCCCTGCCAACAACACCCTCTTTATTGTCTCTATTAGTAA[GAC>G]ACTGGCAGCCAATGAGCCACACCTCACGTTAGAATTTTTGGAAGAGTGTATTTCTGGATT-3'